The following is an entry in ClinVar:

ClinVar aggregate classification (germline): Uncertain significance. Review status: criteria provided, single submitter (1 of 4 stars). 2 submissions from 2 submitters: Uncertain significance (1). 1 of the submissions does not count toward it. Last evaluated 2016-06-14.

Conditions:
Breast-ovarian cancer, familial, susceptibility to, 1 (BROVCA1). Also called: OVARIAN CANCER, SUSCEPTIBILITY TO; BRCA1 Hereditary Breast and Ovarian Cancer. Identifiers: Orphanet 145, MedGen C2676676, MONDO:0011450, OMIM 604370. Disease mechanism: loss of function.

Submissions (3):

Women's Health and Genetics/Laboratory Corporation of America, LabCorp
Classification: Uncertain significance. Last evaluated: 2016-06-14. Review status: criteria provided, single submitter. Criteria: LabCorp Variant Classification Summary - May 2015. Collection method: clinical testing. Allele origin: germline.
Comment: Variant summary: The BRCA1 c.201T>G (p.Asp67Glu) variant involves the alteration of a non-conserved nucleotide and results in a replacement of an Aspartic acid (D) with a Glutamic acid (E). Both of the residues are medium size and acidic, therefore, this Asp to Glu substitution likely does not alter the physico-chemical properties of the BRCA1 protein. Consistently, 4/4 in silico tools predict a benign outcome for this variant (SNPs&GO not captured due to low reliability index). This variant is absent in 118118 control chromosomes while it was reported in three HBOC patients; two of whom had family history of the disease. The variant is located in the central RING domain of BRCA1, in the vicinity of Zn2+ binding site II. Based on a BRCA1 RING model, the Asp67 residue is on the surface of the RING domain and has a side chain with extended orientations favorable for interaction with other proteins. It has been suggested that mutations of this residues would probe the BRCA1 zinc ring domain functionality as a mediator of protein-protein interactions (Bienstock_CanRes_1996). However, experimental studies found that the D67E variant retains the ligase, metal binding and HDR activity of the BRCA1, does not impact BARD1 and UbcH5a binding, barely perturbs BRCA1s native global structure, and only slightly reduced its thermal stability. It has also been shown to slightly inhibit estrogen receptor signaling pathway. The functional studies indicate the variant to be in the neutral spectrum, however, the possibility of an unknown mechanism by which the variant increases the risk of HBOC cannot be excluded, and therefore, it was classified as a variant of uncertain significance until more information becomes available.

Breast Cancer Information Core (BIC) (BRCA1)
Classification: Uncertain significance for Breast-ovarian cancer, familial 1. Last evaluated: 2002-06-27. Review status: no assertion criteria provided. Collection method: clinical testing. Allele origin: germline. Affected: yes. Observed: 3 variant alleles. Not counted in ClinVar's aggregate classification.

Brotman Baty Institute, University of Washington
No classification provided (evidence only). Condition: Breast-ovarian cancer, familial 1. Review status: no classification provided. Collection method: in vitro. Allele origin: not applicable. Functional consequence: functionally_normal. Not counted in ClinVar's aggregate classification.
ClinVar note: "not provided" was previously submitted as the classification for the variant. However, the classification appeared to be based only on an observation of functional data so it was converted to no classification on 2025-07-30.

Literature cited by the submitters: PubMed 16403807 (cited by Women's Health and Genetics/Laboratory Corporation of America, LabCorp); PubMed 25823446 (cited by Women's Health and Genetics/Laboratory Corporation of America, LabCorp); PubMed 19865540 (cited by Women's Health and Genetics/Laboratory Corporation of America, LabCorp); PubMed 19287957 (cited by Women's Health and Genetics/Laboratory Corporation of America, LabCorp); PubMed 23200932 (cited by Women's Health and Genetics/Laboratory Corporation of America, LabCorp); PubMed 12203997 (cited by Women's Health and Genetics/Laboratory Corporation of America, LabCorp); PubMed 20967475 (cited by Women's Health and Genetics/Laboratory Corporation of America, LabCorp); PubMed 22084573 (cited by Women's Health and Genetics/Laboratory Corporation of America, LabCorp).

NM_007294.4(BRCA1):c.201T>G (p.Asp67Glu)

Gene: BRCA1 (BRCA1 DNA repair associated; minus strand). Cytogenetic location: 17q21.31.
Variant type: single nucleotide variant.
Coding change: c.201T>G on transcript NM_007294.4 (MANE Select); coding-DNA position 201, T replaced by G.
Protein change: p.Asp67Glu; replaces aspartic acid 67 with glutamic acid.
Molecular consequence: missense variant.
Genome position (GRCh38, 1-based): chr17:43,106,467, A>C on the plus strand (T>G on the coding strand, the complement: BRCA1 is on the minus strand). VCF-style: chr17-43106467-A-C. GRCh37 (hg19) VCF-style: chr17-41258484-A-C.
Other names: c.201T>G, p.Asp67Glu (NM_001407581.1, NM_001407582.1, NM_001407583.1 and 168 more transcripts); c.60T>G, p.Asp20Glu (NM_001407692.1, NM_001407694.1, NM_001407695.1 and 99 more transcripts); short protein forms D67E, D20E.
Identifiers: ClinVar variation 54439 (VCV000054439.5), dbSNP rs80357033, ClinGen allele CA001347.